The following is an entry in ClinVar:

ClinVar aggregate classification (germline): Uncertain significance (1 of 4 stars; one submission).

Conditions:
Inborn genetic diseases. Identifiers: MedGen C0950123, MeSH D030342.

gnomAD v4.1: 9 of 1,613,964 alleles (0.00056%); highest among the groups gnomAD compares: Non-Finnish European, 0.00068%; no homozygotes.

Submission:

Ambry Genetics
Classification: Uncertain significance for Inborn genetic diseases. Last evaluated: 2025-03-14. Review status: criteria provided, single submitter. Criteria: Ambry Variant Classification Scheme 2023. Collection method: clinical testing. Allele origin: germline.
Comment: The p.A247V variant (also known as c.740C>T), located in coding exon 5 of the ETV6 gene, results from a C to T substitution at nucleotide position 740. The alanine at codon 247 is replaced by valine, an amino acid with similar properties. This amino acid position is conserved. In addition, this alteration is predicted to be tolerated by in silico analysis. Based on the available evidence, the clinical significance of this variant remains unclear.

NM_001987.5(ETV6):c.740C>T (p.Ala247Val)

Gene: ETV6 (ETS variant transcription factor 6; plus strand). Cytogenetic location: 12p13.2.
Variant type: single nucleotide variant.
Coding change: c.740C>T on transcript NM_001987.5 (MANE Select); coding-DNA position 740, C replaced by T.
Protein change: p.Ala247Val; replaces alanine 247 with valine.
Molecular consequence: missense variant.
Genome position (GRCh38, 1-based): chr12:11,869,700, C>T. VCF-style: chr12-11869700-C-T. GRCh37 (hg19) VCF-style: chr12-12022634-C-T.
Other names: c.737C>T, p.Ala246Val (NM_001413913.1); c.713C>T, p.Ala238Val (NM_001413914.1); c.476C>T, p.Ala159Val (NM_001413915.1); c.740C>T, p.Ala247Val (NM_001413916.1, NM_001413917.1); short protein forms A246V, A247V, A238V, A159V.
Identifiers: ClinVar variation 3846457 (VCV003846457.1).